The following is an entry in ClinVar:

ClinVar aggregate classification (germline): Uncertain significance (1 of 4 stars; one submission).

gnomAD v4.1: 14 of 1,613,862 alleles (0.00087%); highest among the groups gnomAD compares: South Asian, 0.0011%; no homozygotes.

Submission:

Labcorp Genetics (formerly Invitae), Labcorp
Classification: Uncertain significance. Last evaluated: 2024-05-21. Review status: criteria provided, single submitter. Criteria: Invitae Variant Classification Sherloc (09022015). Collection method: clinical testing. Allele origin: germline.
Comment: This sequence change replaces alanine, which is neutral and non-polar, with threonine, which is neutral and polar, at codon 400 of the SARS2 protein (p.Ala400Thr). This variant is present in population databases (no rsID available, gnomAD 0.006%). This variant has not been reported in the literature in individuals affected with SARS2-related conditions. An algorithm developed to predict the effect of missense changes on protein structure and function (PolyPhen-2) suggests that this variant is likely to be disruptive. In summary, the available evidence is currently insufficient to determine the role of this variant in disease. Therefore, it has been classified as a Variant of Uncertain Significance.

NM_017827.4(SARS2):c.1198G>A (p.Ala400Thr)

Gene: SARS2 (seryl-tRNA synthetase 2, mitochondrial; minus strand). Cytogenetic location: 19q13.2.
Variant type: single nucleotide variant.
Coding change: c.1198G>A on transcript NM_017827.4 (MANE Select); coding-DNA position 1198, G replaced by A.
Protein change: p.Ala400Thr; replaces alanine 400 with threonine.
Molecular consequence: missense variant.
Genome position (GRCh38, 1-based): chr19:38,916,277, C>T on the plus strand (G>A on the coding strand, the complement: SARS2 is on the minus strand). VCF-style: chr19-38916277-C-T. GRCh37 (hg19) VCF-style: chr19-39406917-C-T.
Other names: c.1204G>A, p.Ala402Thr (NM_001145901.2); short protein forms A400T, A402T.
Identifiers: ClinVar variation 3609105 (VCV003609105.2).